The following is an entry in ClinVar:

NM_007214.5(SEC63):c.1176G>A (p.Glu392=)

Gene: SEC63 (SEC63 protein translocation regulator; minus strand). Cytogenetic location: 6q21.
Variant type: single nucleotide variant.
Coding change: c.1176G>A on transcript NM_007214.5 (MANE Select); coding-DNA position 1176, G replaced by A.
Protein change: p.Glu392=; no amino-acid change (glutamic acid 392 retained).
Molecular consequence: synonymous variant.
Genome position (GRCh38, 1-based): chr6:107,902,877, C>T on the plus strand (G>A on the coding strand, the complement: SEC63 is on the minus strand). VCF-style: chr6-107902877-C-T. GRCh37 (hg19) VCF-style: chr6-108224081-C-T.
Identifiers: ClinVar variation 354907 (VCV000354907.13), dbSNP rs61754483, ClinGen allele CA3947464.

ClinVar aggregate classification (germline): Likely benign. Review status: criteria provided, multiple submitters, no conflicts (2 of 4 stars). 3 submissions from 3 submitters: Likely benign (3). Last evaluated 2026-03-01.

Conditions:
Polycystic liver disease 2 (PCLD2). Also called: Polycystic liver disease 2 with or without kidney cysts. Identifiers: Orphanet 2924, MedGen C4310769, MONDO:0014860, OMIM 617004.

Allele frequency attached by ClinVar (database versions not stated): gnomAD 0.00004 and 0.00005; TOPMed 0.00005; gnomAD exomes 0.00006 and 0.00007; ExAC 0.00008; ESP Exome Variant Server 0.00015; 1000 Genomes Project 30x 0.00016; 1000 Genomes Project 0.00020.

Submissions (3):

CeGaT Center for Human Genetics Tuebingen
Classification: Likely benign. Last evaluated: 2026-03-01. Review status: criteria provided, single submitter. Criteria: CeGaT Center For Human Genetics Tuebingen Variant Classification Criteria Version 2. Collection method: clinical testing. Allele origin: germline. Affected: yes. Observed: 1 variant allele.
Comment: SEC63: BP4, BP7

Labcorp Genetics (formerly Invitae), Labcorp
Classification: Likely benign. Last evaluated: 2024-10-24. Review status: criteria provided, single submitter. Criteria: Invitae Variant Classification Sherloc (09022015). Collection method: clinical testing. Allele origin: germline.

Illumina Laboratory Services, Illumina
Classification: Likely benign for Polycystic liver disease 2. Last evaluated: 2018-01-13. Review status: criteria provided, single submitter. Criteria: ICSL Variant Classification Criteria 13 December 2019. Collection method: clinical testing. Allele origin: germline.
Comment: This variant was observed in the ICSL laboratory as part of a predisposition screen in an ostensibly healthy population. It had not been previously curated by ICSL or reported in the Human Gene Mutation Database (HGMD: prior to June 1st, 2018), and was therefore a candidate for classification through an automated scoring system. Utilizing variant allele frequency, disease prevalence and penetrance estimates, and inheritance mode, an automated score was calculated to assess if this variant is too frequent to cause the disease. Based on the score and internal cut-off values, a variant classified as likely benign is not then subjected to further curation. The score for this variant resulted in a classification of likely benign for this disease.